The following is an entry in ClinVar:

NM_139318.5(KCNH5):c.122T>A (p.Val41Asp)

Gene: KCNH5 (potassium voltage-gated channel subfamily H member 5; minus strand). Cytogenetic location: 14q23.2.
Variant type: single nucleotide variant.
Coding change: c.122T>A on transcript NM_139318.5 (MANE Select); coding-DNA position 122, T replaced by A.
Protein change: p.Val41Asp; replaces valine 41 with aspartic acid.
Molecular consequence: missense variant.
Genome position (GRCh38, 1-based): chr14:63,016,906, A>T on the plus strand (T>A on the coding strand, the complement: KCNH5 is on the minus strand). VCF-style: chr14-63016906-A-T. GRCh37 (hg19) VCF-style: chr14-63483624-A-T.
Other names: c.122T>A, p.Val41Asp (NM_172375.3); short protein forms V41D.
Identifiers: ClinVar variation 4077258 (VCV004077258.1).

ClinVar aggregate classification (germline): Uncertain significance (1 of 4 stars; one submission).

Submission:

GeneDx
Classification: Uncertain significance. Last evaluated: 2025-02-26. Review status: criteria provided, single submitter. Criteria: GeneDx Variant Classification Process June 2021. Collection method: clinical testing. Allele origin: germline. Affected: yes.
Comment: Not observed at significant frequency in large population cohorts (gnomAD); In silico analysis supports that this missense variant has a deleterious effect on protein structure/function; Has not been previously published as pathogenic or benign to our knowledge